The following is an entry in ClinVar:

ClinVar aggregate classification (germline): Uncertain significance. Review status: criteria provided, multiple submitters, no conflicts (2 of 4 stars). 2 submissions from 2 submitters: Uncertain significance (2). Last evaluated 2024-10-29.

Allele frequency attached by ClinVar (database versions not stated): 1000 Genomes Project 0.00040; ESP Exome Variant Server 0.00047; gnomAD exomes 0.00051 and 0.00090; gnomAD 0.00052 and 0.00053; TOPMed 0.00054; 1000 Genomes Project 30x 0.00062; ExAC 0.00132.
gnomAD v4.1: 1,276 of 1,506,498 alleles (0.085%); highest among the groups gnomAD compares: Non-Finnish European, 0.11%; 1 homozygote.

Submissions (2):

Labcorp Genetics (formerly Invitae), Labcorp
Classification: Uncertain significance. Last evaluated: 2024-10-29. Review status: criteria provided, single submitter. Criteria: Invitae Variant Classification Sherloc (09022015). Collection method: clinical testing. Allele origin: germline.
Comment: This sequence change replaces arginine, which is basic and polar, with cysteine, which is neutral and slightly polar, at codon 1489 of the LAMA5 protein (p.Arg1489Cys). This variant is present in population databases (rs199655569, gnomAD 0.1%), and has an allele count higher than expected for a pathogenic variant. This variant has not been reported in the literature in individuals affected with LAMA5-related conditions. ClinVar contains an entry for this variant (Variation ID: 1388566). An algorithm developed to predict the effect of missense changes on protein structure and function (PolyPhen-2) suggests that this variant¬†is likely to be tolerated. In summary, the available evidence is currently insufficient to determine the role of this variant in disease. Therefore, it has been classified as a Variant of Uncertain Significance.

Breakthrough Genomics
Classification: Uncertain significance. Review status: criteria provided, single submitter. Criteria: ACMG Guidelines, 2015. Collection method: not provided. Allele origin: germline. Inheritance: Autosomal dominant inheritance. Affected: yes.

NM_005560.6(LAMA5):c.4465C>T (p.Arg1489Cys)

Gene: LAMA5 (laminin subunit alpha 5; minus strand). Cytogenetic location: 20q13.33.
Variant type: single nucleotide variant.
Coding change: c.4465C>T on transcript NM_005560.6 (MANE Select); coding-DNA position 4465, C replaced by T.
Protein change: p.Arg1489Cys; replaces arginine 1489 with cysteine.
Molecular consequence: missense variant.
Genome position (GRCh38, 1-based): chr20:62,328,428, G>A on the plus strand (C>T on the coding strand, the complement: LAMA5 is on the minus strand). VCF-style: chr20-62328428-G-A. GRCh37 (hg19) VCF-style: chr20-60903484-G-A.
Other names: short protein forms R1489C.
Identifiers: ClinVar variation 1388566 (VCV001388566.7), dbSNP rs199655569, ClinGen allele CA9942586.